The following is an entry in ClinVar:

NM_005178.5(BCL3):c.882G>T (p.Leu294=)

Gene: BCL3 (BCL3 transcription coactivator; plus strand). Cytogenetic location: 19q13.32.
Variant type: single nucleotide variant.
Coding change: c.882G>T on transcript NM_005178.5 (MANE Select); coding-DNA position 882, G replaced by T.
Protein change: p.Leu294=; no amino-acid change (leucine 294 retained).
Molecular consequence: synonymous variant.
Genome position (GRCh38, 1-based): chr19:44,757,714, G>T. VCF-style: chr19-44757714-G-T. GRCh37 (hg19) VCF-style: chr19-45260971-G-T.
Identifiers: ClinVar variation 769458 (VCV000769458.26), dbSNP rs35211322, ClinGen allele CA9503514.
Genomic context (GRCh38, chr19:44,757,714, plus strand): 5'-GAGCGGCCGCTCCCCGCTCATCCACGCCGTGGAAAACAACAGCCTTAGCATGGTGCAGCT[G>T]CTGCTGCAGGTGCGTACAGCCCCCCTGAGCCTCGCGCCCACCCTATCCTCTGACCCCAAC-3'
Protein context (NP_005169.2, residues 284-304): VENNSLSMVQ[Leu294=]LLQHGANVNA

ClinVar aggregate classification (germline): Benign. Review status: criteria provided, multiple submitters, no conflicts (2 of 4 stars). 3 submissions from 3 submitters: Benign (3). Last evaluated 2024-02-01.

Allele frequency attached by ClinVar (database versions not stated): 1000 Genomes Project 0.00519; 1000 Genomes Project 30x 0.00531; TOPMed 0.00802; gnomAD 0.00818 and 0.00830; gnomAD exomes 0.00889; ExAC 0.00899; ESP Exome Variant Server 0.00969.
gnomAD v4.1: 15,006 of 1,613,798 alleles (0.93%); highest among the groups gnomAD compares: Non-Finnish European, 1%; 82 homozygotes.

Submissions (3):

CeGaT Center for Human Genetics Tuebingen
Classification: Benign. Last evaluated: 2024-02-01. Review status: criteria provided, single submitter. Criteria: CeGaT Center For Human Genetics Tuebingen Variant Classification Criteria Version 2. Collection method: clinical testing. Allele origin: germline. Affected: yes. Observed: 1 variant allele.
Comment: BCL3: BP4, BP7, BS1, BS2

Labcorp Genetics (formerly Invitae), Labcorp
Classification: Benign. Last evaluated: 2018-07-20. Review status: criteria provided, single submitter. Criteria: Invitae Variant Classification Sherloc (09022015). Collection method: clinical testing. Allele origin: germline.

Breakthrough Genomics
Classification: Benign. Review status: criteria provided, single submitter. Criteria: ACMG Guidelines, 2015. Collection method: not provided. Allele origin: germline. Inheritance: Unknown mechanism. Affected: yes.